The following is an entry in ClinVar:

NM_007200.5(AKAP13):c.3162C>T (p.Ser1054=)

Gene: AKAP13 (A-kinase anchoring protein 13; plus strand). Cytogenetic location: 15q25.3.
Variant type: single nucleotide variant.
Coding change: c.3162C>T on transcript NM_007200.5 (MANE Select); coding-DNA position 3162, C replaced by T.
Protein change: p.Ser1054=; no amino-acid change (serine 1054 retained).
Molecular consequence: synonymous variant.
Genome position (GRCh38, 1-based): chr15:85,581,230, C>T. VCF-style: chr15-85581230-C-T. GRCh37 (hg19) VCF-style: chr15-86124461-C-T.
Other names: c.3162C>T, p.Ser1054= (NM_006738.6).
Identifiers: ClinVar variation 2645656 (VCV002645656.24), dbSNP rs116622424, ClinGen allele CA7712750.

ClinVar aggregate classification (germline): Likely benign (1 of 4 stars; one submission).

Allele frequency attached by ClinVar (database versions not stated): gnomAD exomes 0.00050; ExAC 0.00054; gnomAD 0.00057; 1000 Genomes Project 30x 0.00062; ESP Exome Variant Server 0.00062; TOPMed 0.00068; 1000 Genomes Project 0.00080.
gnomAD v4.1: 822 of 1,614,122 alleles (0.051%); highest among the groups gnomAD compares: Middle Eastern, 0.2%; 1 homozygote.

Submission:

CeGaT Center for Human Genetics Tuebingen
Classification: Likely benign. Last evaluated: 2022-05-01. Review status: criteria provided, single submitter. Criteria: CeGaT Center For Human Genetics Tuebingen Variant Classification Criteria Version 2. Collection method: clinical testing. Allele origin: germline. Affected: yes. Observed: 1 variant allele.
Comment: AKAP13: BP4, BP7